The following is an entry in ClinVar:

ClinVar aggregate classification (germline): Uncertain significance. Review status: criteria provided, multiple submitters, no conflicts (2 of 4 stars). 3 submissions from 3 submitters: Uncertain significance (3). Last evaluated 2024-08-01.

Allele frequency attached by ClinVar (database versions not stated): gnomAD 0.00003; ExAC 0.00004.
gnomAD v4.1: 39 of 1,551,806 alleles (0.0025%); highest among the groups gnomAD compares: South Asian, 0.0036%; no homozygotes.

Submissions (3):

Women's Health and Genetics/Laboratory Corporation of America, LabCorp
Classification: Uncertain significance. Last evaluated: 2024-08-01. Review status: criteria provided, single submitter. Criteria: LabCorp Variant Classification Summary - May 2015. Collection method: clinical testing. Allele origin: germline.
Comment: Variant summary: LOXHD1 c.5608C>T (p.Arg1870Trp) results in a non-conservative amino acid change located in the PLAT/LH2 domain (IPR001024) of the encoded protein sequence. Four of five in-silico tools predict a damaging effect of the variant on protein function. The variant allele was found at a frequency of 5.1e-05 in 157818 control chromosomes. The available data on variant occurrences in the general population are insufficient to allow any conclusion about variant significance. c.5608C>T has been reported in the literature in a compound heterozygous individual affected with Nonsyndromic Hearing Loss And Deafness, Type 77 (Maekawa_2019). These report(s) do not provide unequivocal conclusions about association of the variant with Nonsyndromic Hearing Loss And Deafness, Type 77. To our knowledge, no experimental evidence demonstrating an impact on protein function has been reported. The following publication have been ascertained in the context of this evaluation (PMID: 31547530). ClinVar contains an entry for this variant (Variation ID: 2165937). Based on the evidence outlined above, the variant was classified as uncertain significance.

Blueprint Genetics
Classification: Uncertain significance. Last evaluated: 2022-11-07. Review status: criteria provided, single submitter. Criteria: ACMG Guidelines, 2015. Collection method: clinical testing. Allele origin: germline.

Labcorp Genetics (formerly Invitae), Labcorp
Classification: Uncertain significance. Last evaluated: 2022-06-20. Review status: criteria provided, single submitter. Criteria: Invitae Variant Classification Sherloc (09022015). Collection method: clinical testing. Allele origin: germline.
Comment: This sequence change replaces arginine, which is basic and polar, with tryptophan, which is neutral and slightly polar, at codon 1870 of the LOXHD1 protein (p.Arg1870Trp). This variant is present in population databases (rs752703586, gnomAD 0.01%). This missense change has been observed in individual(s) with deafness (PMID: 31547530). Algorithms developed to predict the effect of missense changes on protein structure and function are either unavailable or do not agree on the potential impact of this missense change (SIFT: "Deleterious"; PolyPhen-2: "Probably Damaging"; Align-GVGD: "Class C0"). In summary, the available evidence is currently insufficient to determine the role of this variant in disease. Therefore, it has been classified as a Variant of Uncertain Significance.

Literature cited by the submitters: PubMed 31547530 (cited by Women's Health and Genetics/Laboratory Corporation of America, LabCorp and Labcorp Genetics (formerly Invitae), Labcorp).

NM_001384474.1(LOXHD1):c.5794C>T (p.Arg1932Trp)

Gene: LOXHD1 (lipoxygenase homology PLAT domains 1; minus strand). Cytogenetic location: 18q21.1.
Variant type: single nucleotide variant.
Coding change: c.5794C>T on transcript NM_001384474.1 (MANE Select); coding-DNA position 5794, C replaced by T.
Protein change: p.Arg1932Trp; replaces arginine 1932 with tryptophan.
Molecular consequence: missense variant.
Genome position (GRCh38, 1-based): chr18:46,505,922, G>A on the plus strand (C>T on the coding strand, the complement: LOXHD1 is on the minus strand). VCF-style: chr18-46505922-G-A. GRCh37 (hg19) VCF-style: chr18-44085885-G-A.
Other names: c.2461C>T, p.Arg821Trp (NM_001145472.3); c.511C>T, p.Arg171Trp (NM_001145473.3, NM_001173129.2); c.2173C>T, p.Arg725Trp (NM_001308013.2); c.5608C>T, p.Arg1870Trp (NM_144612.7); short protein forms R1870W, R1932W, R725W, R821W, R171W.
Identifiers: ClinVar variation 2165937 (VCV002165937.3), dbSNP rs752703586, ClinGen allele CA8952135.